The following is an entry in ClinVar:

ClinVar aggregate classification (germline): Uncertain significance (1 of 4 stars; one submission).

Submission:

Women's Health and Genetics/Laboratory Corporation of America, LabCorp
Classification: Uncertain significance. Last evaluated: 2026-03-17. Review status: criteria provided, single submitter. Criteria: LabCorp Variant Classification Summary - May 2015. Collection method: clinical testing. Allele origin: germline.
Comment: Variant summary: ARHGEF10 c.47T>C (p.Met16Thr) results in a non-conservative amino acid change in the encoded protein sequence. Algorithms developed to predict the effect of missense changes on protein structure and function are either unavailable or do not agree on the potential impact of this missense change. The variant was absent in 251378 control chromosomes. The available data on variant occurrences in the general population are insufficient to allow any conclusion about variant significance. To our knowledge, no occurrence of c.47T>C in individuals affected with ARHGEF10-related conditions and no experimental evidence demonstrating its impact on protein function have been reported. No submitters have cited clinical-significance assessments for this variant to ClinVar. Based on the evidence outlined above, the variant was classified as uncertain significance.

NM_014629.4(ARHGEF10):c.47T>C (p.Met16Thr)

Gene: ARHGEF10 (Rho guanine nucleotide exchange factor 10; plus strand). Cytogenetic location: 8p23.3.
Variant type: single nucleotide variant.
Coding change: c.47T>C on transcript NM_014629.4 (MANE Select); coding-DNA position 47, T replaced by C.
Protein change: p.Met16Thr; replaces methionine 16 with threonine.
Molecular consequence: missense variant.
Genome position (GRCh38, 1-based): chr8:1,857,969, T>C. VCF-style: chr8-1857969-T-C. GRCh37 (hg19) VCF-style: chr8-1806135-T-C.
Other names: c.47T>C, p.Met16Thr (NM_001308152.2, NM_001308153.3, NM_001438091.1 and 3 more transcripts); short protein forms M16T, M40T.
Identifiers: ClinVar variation 4847140 (VCV004847140.1).
Genomic context (GRCh38, chr8:1,857,969, plus strand): 5'-TCTATCTATCTATCTATCTCTCCTTGATGTGGTTTTGGTTTTTCTTTTTAGAAAATGAAA[T>C]GAAATATGATACCAATAATAATGAAGAGGAAGAGGGAGAACAGTTCGATTTTGACAGTGG-3'
Protein context (NP_055444.2, residues 6-26): PLPPAPAENE[Met16Thr]KYDTNNNEEE